The following is an entry in ClinVar:

ClinVar aggregate classification (germline): Conflicting classifications of pathogenicity. Review status: criteria provided, conflicting classifications (1 of 4 stars). 5 submissions from 5 submitters: Uncertain significance (1); Likely benign (2). 2 of the submissions do not count toward it. Last evaluated 2026-05-01.

Conditions:
Kaposi sarcoma. Also called: Kaposi's sarcoma; Mediterranean Kaposi sarcoma; Kaposi's sarcoma (disease). Identifiers: Orphanet 33276, MedGen C0036220, MONDO:0005055, HP:0100726.
Inborn genetic diseases. Identifiers: MedGen C0950123, MeSH D030342.
Kaposi sarcoma, susceptibility to. Also called: MULTIPLE IDIOPATHIC PIGMENTED HEMANGIOSARCOMA, SUSCEPTIBILITY TO. Identifiers: MedGen C3538945, MONDO:0007845, OMIM 148000.

Allele frequency attached by ClinVar (database versions not stated): gnomAD exomes 0.00003; gnomAD 0.00005; TOPMed 0.00006; ExAC 0.00007; 1000 Genomes Project 30x 0.00031; 1000 Genomes Project 0.00040.
gnomAD v4.1: 57 of 1,614,156 alleles (0.0035%); highest among the groups gnomAD compares: Admixed American, 0.042%; no homozygotes.

Submissions (5):

CeGaT Center for Human Genetics Tuebingen
Classification: Likely benign. Last evaluated: 2026-05-01. Review status: criteria provided, single submitter. Criteria: CeGaT Center For Human Genetics Tuebingen Variant Classification Criteria Version 2. Collection method: clinical testing. Allele origin: germline. Affected: yes. Observed: 3 variant alleles.
Comment: BPTF: BS2

Labcorp Genetics (formerly Invitae), Labcorp
Classification: Uncertain significance. Last evaluated: 2023-08-17. Review status: criteria provided, single submitter. Criteria: Invitae Variant Classification Sherloc (09022015). Collection method: clinical testing. Allele origin: germline.
Comment: The frequency data for this variant in the population databases is considered unreliable, as metrics indicate poor data quality at this position in the gnomAD database. This variant has not been reported in the literature in individuals affected with BPTF-related conditions. In summary, the available evidence is currently insufficient to determine the role of this variant in disease. Therefore, it has been classified as a Variant of Uncertain Significance. ClinVar contains an entry for this variant (Variation ID: 2077514). An algorithm developed to predict the effect of missense changes on protein structure and function (PolyPhen-2) suggests that this variant is likely to be disruptive. This sequence change replaces isoleucine, which is neutral and non-polar, with threonine, which is neutral and polar, at codon 2138 of the BPTF protein (p.Ile2138Thr).

Ambry Genetics
Classification: Likely benign for Inborn genetic diseases. Last evaluated: 2022-05-31. Review status: criteria provided, single submitter. Criteria: Ambry Variant Classification Scheme 2023. Collection method: clinical testing. Allele origin: germline.

OMIM
Classification: risk factor for KAPOSI SARCOMA, SUSCEPTIBILITY TO. Last evaluated: 2024-07-10. Review status: no assertion criteria provided. Collection method: literature only. Allele origin: germline. Not counted in ClinVar's aggregate classification.

The Morris Kahn Laboratory of Human Genetics, Ben-gurion University of the Negev
Classification: Established risk allele for Kaposi's sarcoma. Last evaluated: 2024-01-06. Review status: no assertion criteria provided. Collection method: research, in vitro. Allele origin: germline, not applicable. Inheritance: Autosomal dominant inheritance. Affected: yes. Functional consequence: effect on protein activity. Not counted in ClinVar's aggregate classification.
Comment: We demonstrate through genetic studies that a dominantly-inherited p.I2012T missense mutation in BPTF segregates with a phenotype of classical KS in seven immunocompetent individuals individuals in two families. Using an rKSHV.219-infected CRISPR/cas9-model, we show that BPTFI2012T mutant cells exhibit higher latent-to-lytic ratio, decreased virion production, increased LANA staining, and latent phenotype in viral transcriptomics. RNA-sequencing demonstrated that KSHV infection dysregulated oncogenic-like response and P53 pathways, MAPK cascade and blood vessel development pathways, consistent with KS. BPTFI2012T also enriched pathways of viral genome regulation and replication, immune response, and chemotaxis, including downregulation of IFI16, SHFL HLAs, TGFB1 and HSPA5, all previously associated with KSHV infection and tumorigenesis. Many of the differentially-expressed genes are regulated by Rel-NF-κB, which regulates immune processes, cell survival and proliferation and is pivotal to oncogenesis

Literature cited by the submitters: PubMed 38380509 (cited by OMIM); Hamosh, A. Personal Communication. 2024. Baltimore, Md. (cited by OMIM).

NM_182641.4(BPTF):c.6035T>C (p.Ile2012Thr)

Gene: BPTF (bromodomain PHD finger transcription factor; plus strand). Cytogenetic location: 17q24.2.
Variant type: single nucleotide variant.
Coding change: c.6035T>C on transcript NM_182641.4 (MANE Select); coding-DNA position 6035, T replaced by C.
Protein change: p.Ile2012Thr; replaces isoleucine 2012 with threonine.
Molecular consequence: missense variant.
Genome position (GRCh38, 1-based): chr17:67,929,372, T>C. VCF-style: chr17-67929372-T-C. GRCh37 (hg19) VCF-style: chr17-65925488-T-C.
Other names: NM_018672.5:c.1957G>T; c.6413T>C, p.Ile2138Thr (NM_004459.7); short protein forms I2012T, I2138T.
Identifiers: ClinVar variation 2077514 (VCV002077514.17), dbSNP rs187498805, ClinGen allele CA8726092.